The following is an entry in ClinVar:

NM_000138.5(FBN1):c.4316C>T (p.Ala1439Val)

Genes: FBN1 (fibrillin 1; minus strand), LOC126862124 (CDK7 strongly-dependent group 2 enhancer GRCh37_chr15:48764566-48765765; plus strand). Cytogenetic location: 15q21.1.
Variant type: single nucleotide variant.
Coding change: c.4316C>T on transcript NM_000138.5 (MANE Select); coding-DNA position 4316, C replaced by T.
Protein change: p.Ala1439Val; replaces alanine 1439 with valine.
Molecular consequence: missense variant.
Genome position (GRCh38, 1-based): chr15:48,472,571, G>A on the plus strand (C>T on the coding strand, the complement: FBN1 is on the minus strand). VCF-style: chr15-48472571-G-A. GRCh37 (hg19) VCF-style: chr15-48764768-G-A.
Other names: short protein forms A1439V.
Identifiers: ClinVar variation 264533 (VCV000264533.5), dbSNP rs755085498, ClinGen allele CA10587830.

ClinVar aggregate classification (germline): Uncertain significance (1 of 4 stars; one submission).

Conditions:
Familial thoracic aortic aneurysm and aortic dissection (TAAD). Also called: Thoracic aortic aneurysms and dissections. Identifiers: Orphanet 91387, MedGen C4707243, MONDO:0019625.

gnomAD v4.1: 1 of 1,613,694 alleles (0.000062%); highest among the groups gnomAD compares: Non-Finnish European, 0.000085%; no homozygotes.

Submission:

Ambry Genetics
Classification: Uncertain significance for Familial thoracic aortic aneurysm and aortic dissection. Last evaluated: 2015-12-02. Review status: criteria provided, single submitter. Criteria: Ambry Variant Classification Scheme 2023. Collection method: clinical testing. Allele origin: germline.
Comment: The p.A1439V variant (also known as c.4316C>T), located in coding exon 34 of the FBN1 gene, results from a C to T substitution at nucleotide position 4316. The alanine at codon 1439 is replaced by valine, an amino acid with similar properties. This variant was not reported in population based cohorts in the following databases: Database of Single Nucleotide Polymorphisms (dbSNP), NHLBI Exome Sequencing Project (ESP), and 1000 Genomes Project. In the ESP, this variant was not observed in 6494 samples (12988 alleles) with coverage at this position. This amino acid position is not well conserved in available vertebrate species. In addition, this alteration is predicted to be tolerated by in silico analysis. Since supporting evidence is limited at this time, the clinical significance of this variant remains unclear.